The following is an entry in ClinVar:

NM_001286577.2(C2CD3):c.5702G>A (p.Arg1901His)

Genes: C2CD3 (C2 domain containing 3 centriole elongation regulator; minus strand), LOC126861262 (CDK7 strongly-dependent group 2 enhancer GRCh37_chr11:73747696-73748895; plus strand). Cytogenetic location: 11q13.4.
Variant type: single nucleotide variant.
Coding change: c.5702G>A on transcript NM_001286577.2 (MANE Select); coding-DNA position 5702, G replaced by A.
Protein change: p.Arg1901His; replaces arginine 1901 with histidine.
Molecular consequence: missense variant.
Genome position (GRCh38, 1-based): chr11:74,037,657, C>T on the plus strand (G>A on the coding strand, the complement: C2CD3 is on the minus strand). VCF-style: chr11-74037657-C-T. GRCh37 (hg19) VCF-style: chr11-73748702-C-T.
Other names: c.5702G>A, p.Arg1901His (NM_015531.6); c.5702G>A (NM_015531.4); short protein forms R1901H.
Identifiers: ClinVar variation 2071096 (VCV002071096.4), dbSNP rs377328047, ClinGen allele CA6181789.

ClinVar aggregate classification (germline): Uncertain significance. Review status: criteria provided, multiple submitters, no conflicts (2 of 4 stars). 2 submissions from 2 submitters: Uncertain significance (2). Last evaluated 2026-02-02.

Conditions:
Inborn genetic diseases. Identifiers: MedGen C0950123, MeSH D030342.

Allele frequency attached by ClinVar (database versions not stated): ESP Exome Variant Server 0.00008.
gnomAD v4.1: 32 of 1,613,808 alleles (0.002%); highest among the groups gnomAD compares: Middle Eastern, 0.033%; no homozygotes.

Submissions (2):

Labcorp Genetics (formerly Invitae), Labcorp
Classification: Uncertain significance. Last evaluated: 2026-02-02. Review status: criteria provided, single submitter. Criteria: Invitae Variant Classification Sherloc (09022015). Collection method: clinical testing. Allele origin: germline.
Comment: This sequence change replaces arginine, which is basic and polar, with histidine, which is basic and polar, at codon 1901 of the C2CD3 protein (p.Arg1901His). This variant is present in population databases (rs377328047, gnomAD 0.008%). This variant has not been reported in the literature in individuals affected with C2CD3-related conditions. ClinVar contains an entry for this variant (Variation ID: 2071096). Invitae Evidence Modeling of protein sequence and biophysical properties (such as structural, functional, and spatial information, amino acid conservation, physicochemical variation, residue mobility, and thermodynamic stability) indicates that this missense variant is not expected to disrupt C2CD3 protein function with a negative predictive value of 80%. In summary, the available evidence is currently insufficient to determine the role of this variant in disease. Therefore, it has been classified as a Variant of Uncertain Significance.

Ambry Genetics
Classification: Uncertain significance for Inborn genetic diseases. Last evaluated: 2025-12-15. Review status: criteria provided, single submitter. Criteria: Ambry Variant Classification Scheme 2023. Collection method: clinical testing. Allele origin: germline.